The following is an entry in ClinVar:

ClinVar aggregate classification (germline): Uncertain significance (1 of 4 stars; one submission).

Conditions:
MELAS syndrome (MELAS). Also called: Juvenile myopathy, encephalopathy, lactic acidosis, stroke. Identifiers: Orphanet 550, MedGen C0162671, MONDO:0010789, OMIM 540000.

Submission:

Wong Mito Lab, Molecular and Human Genetics, Baylor College of Medicine
Classification: Uncertain significance for MELAS syndrome. Last evaluated: 2019-07-12. Review status: criteria provided, single submitter. Criteria: Modified ACMG Guidelines (Unpublished). Collection method: clinical testing. Allele origin: germline.
Comment: The NC_012920.1:m.15888G>A variant in MT-TT gene is interpreted to be a Unknown Significance variant based on the modified ACMG guidelines (unpublished). This variant meets the following evidence codes reported in the guidelines: PM7, PP6, PP7

Literature cited by the submitters: PubMed 31965079.

NC_012920.1(MT-TT):m.15888G>A

Gene: MT-TT (mitochondrially encoded tRNA threonine; plus strand).
Variant type: single nucleotide variant.
Genome position: chrM-15888-G-A.
Identifiers: ClinVar variation 690212 (VCV000690212.1), dbSNP rs1603225568, ClinGen allele CA913175123.
Genomic context (GRCh38, chrMT:15,888, plus strand): 5'-CAATCCTAATCCTAATACCAACTATCTCCCTAATTGAAAACAAAATACTCAAATGGGCCT[G>A]TCCTTGTAGTATAAACTAATACACCAGTCTTGTAAACCGGAGATGAAAACCTTTTTCCAA-3'